The following is an entry in ClinVar:

ClinVar aggregate classification (germline): Likely benign. Review status: criteria provided, multiple submitters, no conflicts (2 of 4 stars). 2 submissions from 2 submitters: Likely benign (2). Last evaluated 2025-01-31.

Conditions:
ARID1A-related disorder. Also called: ARID1A-related condition.

Allele frequency attached by ClinVar (database versions not stated): gnomAD 0.00001.
gnomAD v4.1: 7 of 1,348,338 alleles (0.00052%); highest among the groups gnomAD compares: Middle Eastern, 0.048%; no homozygotes.

Submissions (2):

PreventionGenetics, part of Exact Sciences
Classification: Likely benign for ARID1A-related condition. Last evaluated: 2025-01-31. Review status: criteria provided, single submitter. Criteria: ACMG Guidelines, 2015. Collection method: clinical testing. Allele origin: germline.
Comment: This variant is classified as likely benign based on ACMG/AMP sequence variant interpretation guidelines (Richards et al. 2015 PMID: 25741868, with internal and published modifications).

Labcorp Genetics (formerly Invitae), Labcorp
Classification: Likely benign. Last evaluated: 2022-11-08. Review status: criteria provided, single submitter. Criteria: Invitae Variant Classification Sherloc (09022015). Collection method: clinical testing. Allele origin: germline.

NM_006015.6(ARID1A):c.906C>A (p.Pro302=)

Genes: ARID1A (AT-rich interaction domain 1A; plus strand), LOC129929837 (ATAC-STARR-seq lymphoblastoid silent region 489; plus strand). Cytogenetic location: 1p36.11.
Variant type: single nucleotide variant.
Coding change: c.906C>A on transcript NM_006015.6 (MANE Select); coding-DNA position 906, C replaced by A.
Protein change: p.Pro302=; no amino-acid change (proline 302 retained).
Molecular consequence: synonymous variant.
Genome position (GRCh38, 1-based): chr1:26,697,309, C>A. VCF-style: chr1-26697309-C-A. GRCh37 (hg19) VCF-style: chr1-27023800-C-A.
Other names: c.906C>A, p.Pro302= (NM_139135.4).
Identifiers: ClinVar variation 1928059 (VCV001928059.6), dbSNP rs1210274408, ClinGen allele CA416989813.